The following is an entry in ClinVar:

NM_004168.4(SDHA):c.797G>C (p.Cys266Ser)

Gene: SDHA (succinate dehydrogenase complex flavoprotein subunit A; plus strand). Cytogenetic location: 5p15.33.
Variant type: single nucleotide variant.
Coding change: c.797G>C on transcript NM_004168.4 (MANE Select); coding-DNA position 797, G replaced by C.
Protein change: p.Cys266Ser; replaces cysteine 266 with serine.
Molecular consequence: missense variant.
Genome position (GRCh38, 1-based): chr5:230,902, G>C. VCF-style: chr5-230902-G-C. GRCh37 (hg19) VCF-style: chr5-231017-G-C.
Other names: c.653G>C, p.Cys218Ser (NM_001294332.2); c.797G>C, p.Cys266Ser (NM_001330758.2); c.797G>C (NM_004168.2); short protein forms C218S, C266S.
Identifiers: ClinVar variation 3754191 (VCV003754191.3).

ClinVar aggregate classification (germline): Uncertain significance. Review status: criteria provided, multiple submitters, no conflicts (2 of 4 stars). 2 submissions from 2 submitters: Uncertain significance (2). Last evaluated 2025-11-11.

Conditions:
Hereditary cancer-predisposing syndrome. Also called: Hereditary neoplastic syndrome; Neoplastic Syndromes, Hereditary; Tumor predisposition; Hereditary Cancer Syndrome. Identifiers: Orphanet 140162, MedGen C0027672, MeSH D009386, MONDO:0015356.
Mitochondrial complex II deficiency, nuclear type 1. Also called: SUCCINATE CoQ REDUCTASE DEFICIENCY. Identifiers: Orphanet 3208, MedGen C5700310, MONDO:0100294, OMIM 252011.
Pheochromocytoma/paraganglioma syndrome 5. Also called: Paragangliomas 5; SDHA-Related Hereditary Paraganglioma-Pheochromocytoma Syndrome. Identifiers: Orphanet 29072, MedGen C3279992, MONDO:0013602, OMIM 614165.

Submissions (2):

Ambry Genetics
Classification: Uncertain significance for Hereditary cancer-predisposing syndrome. Last evaluated: 2025-11-11. Review status: criteria provided, single submitter. Criteria: Ambry Variant Classification Scheme 2023. Collection method: clinical testing. Allele origin: germline.
Comment: The p.C266S variant (also known as c.797G>C), located in coding exon 7 of the SDHA gene, results from a G to C substitution at nucleotide position 797. The cysteine at codon 266 is replaced by serine, an amino acid with dissimilar properties. This amino acid position is conserved. In addition, this alteration is predicted to be deleterious by in silico analysis. Based on the available evidence, the clinical significance of this variant remains unclear.

Labcorp Genetics (formerly Invitae), Labcorp
Classification: Uncertain significance for Pheochromocytoma/paraganglioma syndrome 5; Mitochondrial complex II deficiency, nuclear type 1. Last evaluated: 2024-12-30. Review status: criteria provided, single submitter. Criteria: Invitae Variant Classification Sherloc (09022015). Collection method: clinical testing. Allele origin: germline.
Comment: This sequence change replaces cysteine, which is neutral and slightly polar, with serine, which is neutral and polar, at codon 266 of the SDHA protein (p.Cys266Ser). This variant is not present in population databases (gnomAD no frequency). This variant has not been reported in the literature in individuals affected with SDHA-related conditions. Invitae Evidence Modeling of protein sequence and biophysical properties (such as structural, functional, and spatial information, amino acid conservation, physicochemical variation, residue mobility, and thermodynamic stability) indicates that this missense variant is not expected to disrupt SDHA protein function with a negative predictive value of 95%. In summary, the available evidence is currently insufficient to determine the role of this variant in disease. Therefore, it has been classified as a Variant of Uncertain Significance.